The following is an entry in ClinVar:

NM_138713.4(NFAT5):c.3410C>G (p.Ser1137Cys)

Gene: NFAT5 (nuclear factor of activated T cells 5; plus strand). Cytogenetic location: 16q22.1.
Variant type: single nucleotide variant.
Coding change: c.3410C>G on transcript NM_138713.4 (MANE Select); coding-DNA position 3410, C replaced by G.
Protein change: p.Ser1137Cys; replaces serine 1137 with cysteine.
Molecular consequence: missense variant.
Genome position (GRCh38, 1-based): chr16:69,693,235, C>G. VCF-style: chr16-69693235-C-G. GRCh37 (hg19) VCF-style: chr16-69727138-C-G.
Other names: c.3407C>G, p.Ser1136Cys (NM_001113178.3); c.2735C>G, p.Ser912Cys (NM_001367709.1); c.3356C>G, p.Ser1119Cys (NM_006599.4); c.3128C>G, p.Ser1043Cys (NM_138714.4, NM_173214.3, NM_173215.3); short protein forms S1043C, S1119C, S1136C, S1137C, S912C.
Identifiers: ClinVar variation 2246387 (VCV002246387.3), dbSNP rs2544245350, ClinGen allele CA396512951.

ClinVar aggregate classification (germline): Uncertain significance. Review status: criteria provided, multiple submitters, no conflicts (2 of 4 stars). 2 submissions from 2 submitters: Uncertain significance (2). Last evaluated 2026-01-05.

Conditions:
Immunodeficiency. Identifiers: MedGen C0021051, MONDO:0021094, HP:0002721.

Allele frequency attached by ClinVar (database versions not stated): gnomAD exomes below 0.00001.
gnomAD v4.1: 4 of 1,614,190 alleles (0.00025%); highest among the groups gnomAD compares: Non-Finnish European, 0.00034%; no homozygotes.

Submissions (2):

Labcorp Genetics (formerly Invitae), Labcorp
Classification: Uncertain significance for Immunodeficiency. Last evaluated: 2026-01-05. Review status: criteria provided, single submitter. Criteria: Invitae Variant Classification Sherloc (09022015). Collection method: clinical testing. Allele origin: germline.
Comment: This sequence change replaces serine, which is neutral and polar, with cysteine, which is neutral and slightly polar, at codon 1043 of the NFAT5 protein (p.Ser1043Cys). This variant is not present in population databases (gnomAD no frequency). This variant has not been reported in the literature in individuals affected with NFAT5-related conditions. ClinVar contains an entry for this variant (Variation ID: 2246387). An algorithm developed to predict the effect of missense changes on protein structure and function (PolyPhen-2) suggests that this variant is likely to be disruptive. In summary, the available evidence is currently insufficient to determine the role of this variant in disease. Therefore, it has been classified as a Variant of Uncertain Significance.

Ambry Genetics
Classification: Uncertain significance. Last evaluated: 2021-08-17. Review status: criteria provided, single submitter. Criteria: Ambry Variant Classification Scheme 2023. Collection method: clinical testing. Allele origin: germline.